The following is an entry in ClinVar:

ClinVar aggregate classification (germline): Uncertain significance (1 of 4 stars; one submission).

gnomAD v4.1: 12 of 1,613,434 alleles (0.00074%); highest among the groups gnomAD compares: African/African-American, 0.0027%; no homozygotes.

Submission:

Labcorp Genetics (formerly Invitae), Labcorp
Classification: Uncertain significance. Last evaluated: 2024-06-17. Review status: criteria provided, single submitter. Criteria: Invitae Variant Classification Sherloc (09022015). Collection method: clinical testing. Allele origin: germline.
Comment: This sequence change affects codon 1085 of the FN1 mRNA. It is a 'silent' change, meaning that it does not change the encoded amino acid sequence of the FN1 protein. It affects a nucleotide within the consensus splice site. This variant is present in population databases (no rsID available, gnomAD 0.002%). This variant has not been reported in the literature in individuals affected with FN1-related conditions. Algorithms developed to predict the effect of sequence changes on RNA splicing suggest that this variant is not likely to affect RNA splicing. In summary, the available evidence is currently insufficient to determine the role of this variant in disease. Therefore, it has been classified as a Variant of Uncertain Significance.

NM_212482.4(FN1):c.3253C>T (p.Leu1085=)

Gene: FN1 (fibronectin 1; minus strand). Cytogenetic location: 2q35.
Variant type: single nucleotide variant.
Coding change: c.3253C>T on transcript NM_212482.4 (MANE Select); coding-DNA position 3253, C replaced by T.
Protein change: p.Leu1085=; no amino-acid change (leucine 1085 retained).
Molecular consequence: synonymous variant.
Genome position (GRCh38, 1-based): chr2:215,404,389, G>A on the plus strand (C>T on the coding strand, the complement: FN1 is on the minus strand). VCF-style: chr2-215404389-G-A. GRCh37 (hg19) VCF-style: chr2-216269112-G-A.
Other names: c.3253C>T, p.Leu1085= (NM_001306129.2, NM_001306130.2, NM_001306131.2 and 13 more transcripts).
Identifiers: ClinVar variation 3699876 (VCV003699876.2).
Genomic context (GRCh38, chr2:215,404,389, plus strand): 5'-AAGCATGAAGAATAGAGAATGTAAATATAGTTAAGAAAAGGCACTTAATTTTCAGCTTAC[G>A]TGTGGTAAAGACTCCAGTGGCTTTGGGGCTCTCTTGGTTGCCCTTTATGGCCACGAGGGA-3'
Protein context (NP_997647.2, residues 1075-1095): SPKATGVFTT[Leu1085=]QPGSSIPPYN